The following is an entry in ClinVar:

ClinVar aggregate classification (germline): Uncertain significance (1 of 4 stars; one submission).

Allele frequency attached by ClinVar (database versions not stated): 1000 Genomes Project 30x 0.00016; 1000 Genomes Project 0.00020.
gnomAD v4.1: 2 of 1,612,314 alleles (0.00012%); highest among the groups gnomAD compares: Non-Finnish European, 0.00017%; no homozygotes.

Submission:

Labcorp Genetics (formerly Invitae), Labcorp
Classification: Uncertain significance. Last evaluated: 2022-04-27. Review status: criteria provided, single submitter. Criteria: Invitae Variant Classification Sherloc (09022015). Collection method: clinical testing. Allele origin: germline.
Comment: This variant is not present in population databases (gnomAD no frequency). In summary, the available evidence is currently insufficient to determine the role of this variant in disease. Therefore, it has been classified as a Variant of Uncertain Significance. Algorithms developed to predict the effect of missense changes on protein structure and function are either unavailable or do not agree on the potential impact of this missense change (SIFT: "Tolerated"; PolyPhen-2: "Possibly Damaging"; Align-GVGD: "Class C0"). This variant has not been reported in the literature in individuals affected with HMCN1-related conditions. This sequence change replaces proline, which is neutral and non-polar, with threonine, which is neutral and polar, at codon 2714 of the HMCN1 protein (p.Pro2714Thr).

NM_031935.3(HMCN1):c.8140C>A (p.Pro2714Thr)

Gene: HMCN1 (hemicentin 1; plus strand). Cytogenetic location: 1q31.1.
Variant type: single nucleotide variant.
Coding change: c.8140C>A on transcript NM_031935.3 (MANE Select); coding-DNA position 8140, C replaced by A.
Protein change: p.Pro2714Thr; replaces proline 2714 with threonine.
Molecular consequence: missense variant.
Genome position (GRCh38, 1-based): chr1:186,074,741, C>A. VCF-style: chr1-186074741-C-A. GRCh37 (hg19) VCF-style: chr1-186043873-C-A.
Other names: short protein forms P2714T.
Identifiers: ClinVar variation 1953091 (VCV001953091.5), dbSNP rs147073795, ClinGen allele CA33468328.
Genomic context (GRCh38, chr1:186,074,741, plus strand): 5'-TGGCCTCTTAGAGGATTCATTATAGCACTTAATGCTAACATTGTTATAATTGAATCACAG[C>A]CCCTTAAATCCGATGATCATGTTAATATTGCTGCGAATGGACACACACTTCAAATAAAGG-3'
Protein context (NP_114141.2, residues 2704-2724): ASLSWYKDGQ[Pro2714Thr]LKSDDHVNIA